The following is an entry in ClinVar:

ClinVar aggregate classification (germline): Benign/Likely benign. Review status: criteria provided, multiple submitters, no conflicts (2 of 4 stars). 11 submissions from 11 submitters: Benign (3); Likely benign (6). 2 of the submissions do not count toward it. Last evaluated 2026-02-01.

Conditions:
Cardiovascular phenotype. Identifiers: MedGen CN230736.
Dilated cardiomyopathy 1C (CMD1C). Also called: CARDIOMYOPATHY, DILATED, 1C, WITH OR WITHOUT LEFT VENTRICULAR NONCOMPACTION; Cardiomyopathy, dilated, 1C, with or without LVNC. Identifiers: Orphanet 154, Orphanet 54260, MedGen C1832244, MONDO:0011094, OMIM 601493.
Myofibrillar myopathy 4. Also called: Zaspopathy (type). Identifiers: Orphanet 98912, MedGen C4721886, MONDO:0012277, OMIM 609452.
Primary dilated cardiomyopathy (DCM). Also called: Dilated Cardiomyopathy. Identifiers: Orphanet 217604, MedGen C0007193, MeSH D002311, MONDO:0005021, HP:0001644. Inheritance: Various modes of inheritance.

Allele frequency attached by ClinVar (database versions not stated): TOPMed 0.00204; 1000 Genomes Project 30x 0.00141; gnomAD 0.00172 and 0.00189; ExAC 0.00065; gnomAD exomes 0.00016 and 0.00052; ESP Exome Variant Server 0.00154; 1000 Genomes Project 0.00160.
gnomAD v4.1: 509 of 1,613,274 alleles (0.032%); highest among the groups gnomAD compares: African/African-American, 0.51%; 2 homozygotes.

Submissions (11):

Labcorp Genetics (formerly Invitae), Labcorp
Classification: Benign for Myofibrillar myopathy 4. Last evaluated: 2026-02-01. Review status: criteria provided, single submitter. Criteria: Invitae Variant Classification Sherloc (09022015). Collection method: clinical testing. Allele origin: germline.

Blueprint Genetics
Classification: Likely benign. Last evaluated: 2024-05-23. Review status: criteria provided, single submitter. Criteria: ACMG Guidelines, 2015. Collection method: clinical testing. Allele origin: germline.

Fulgent Genetics
Classification: Likely benign for Dilated cardiomyopathy 1C; Myofibrillar myopathy 4. Last evaluated: 2021-10-20. Review status: criteria provided, single submitter. Criteria: ACMG Guidelines, 2015. Collection method: clinical testing. Allele origin: unknown.

Women's Health and Genetics/Laboratory Corporation of America, LabCorp
Classification: Benign. Last evaluated: 2020-08-31. Review status: criteria provided, single submitter. Criteria: LabCorp Variant Classification Summary - May 2015. Collection method: clinical testing. Allele origin: germline.
Comment: Variant summary: LDB3 c.1460G>A (p.Arg487His) results in a non-conservative amino acid change in the encoded protein sequence. Three of five in-silico tools predict a damaging effect of the variant on protein function. The variant allele was found at a frequency of 0.00052 in 249258 control chromosomes, predominantly at a frequency of 0.0058 within the African or African-American subpopulation in the gnomAD database. The observed variant frequency within African or African-American control individuals in the gnomAD database is approximately 200-fold of the estimated maximal expected allele frequency for a pathogenic variant in LDB3 causing Cardiomyopathy phenotype (2.5e-05), strongly suggesting that the variant is a benign polymorphism found primarily in populations of African or African-American origin. These reports do not provide unequivocal conclusions about association of the variant with Cardiomyopathy. To our knowledge, no experimental evidence demonstrating an impact on protein function has been reported. Four clinical diagnostic laboratories have submitted clinical-significance assessments for this variant to ClinVar after 2014 without evidence for independent evaluation. All laboratories classified the variant as benign (1x) / likely benign (3x). Based on the evidence outlined above, the variant was classified as benign.

Ambry Genetics
Classification: Likely benign for Cardiovascular phenotype. Last evaluated: 2018-10-17. Review status: criteria provided, single submitter. Criteria: Ambry Variant Classification Scheme 2023. Collection method: clinical testing. Allele origin: germline.

Center for Advanced Laboratory Medicine, UC San Diego Health, University of California San Diego
Classification: Likely benign for Dilated cardiomyopathy. Last evaluated: 2018-02-07. Review status: criteria provided, single submitter. Criteria: ACMG Guidelines, 2015. Collection method: clinical testing. Allele origin: germline. Affected: yes. Observed: 1 variant allele.

Laboratory for Molecular Medicine, Mass General Brigham Personalized Medicine
Classification: Likely benign. Last evaluated: 2016-03-01. Review status: criteria provided, single submitter. Criteria: LMM Criteria. Collection method: clinical testing. Allele origin: germline. Observed: 5 variant alleles.
Comment: p.Arg487His in exon 12 of LDB3: This variant is not expected to have clinical si gnificance because it has been identified in 0.6% (63/10364) of African chromoso mes by the Exome Aggregation Consortium (ExAC; d bSNP dbSNP rs146265188).

GeneDx
Classification: Benign. Last evaluated: 2013-11-08. Review status: criteria provided, single submitter. Criteria: GeneDx Variant Classification (06012015). Collection method: clinical testing. Allele origin: germline. Affected: yes.
Comment: This variant is considered likely benign or benign based on one or more of the following criteria: it is a conservative change, it occurs at a poorly conserved position in the protein, it is predicted to be benign by multiple in silico algorithms, and/or has population frequency not consistent with disease.

Biesecker Lab/Clinical Genomics Section, National Institutes of Health
Classification: Likely benign. Last evaluated: 2013-06-24. Review status: criteria provided, single submitter. Criteria: Ng et al. (Circ Cardiovasc Genet. 2013). Collection method: research. Allele origin: unknown. Observed: 1 variant allele. Study: ClinSeq.
Comment: The study set was not selected for affection status in relation to any cancer. Pathogenicity categories were based on literature curation. See Pubmed ID:23861362 for details.

Medical sequencing

Clinical Genetics, Academic Medical Center
Classification: Benign. Review status: no assertion criteria provided. Collection method: clinical testing. Allele origin: germline. Affected: yes. Study: VKGL Data-share Consensus. Not counted in ClinVar's aggregate classification.

Joint Genome Diagnostic Labs from Nijmegen and Maastricht, Radboudumc and MUMC+
Classification: Likely benign. Review status: no assertion criteria provided. Collection method: clinical testing. Allele origin: germline. Affected: yes. Study: VKGL Data-share Consensus. Not counted in ClinVar's aggregate classification.

Literature cited by the submitters: PubMed 24503780 (cited by Women's Health and Genetics/Laboratory Corporation of America, LabCorp); PubMed 27435932 (cited by Women's Health and Genetics/Laboratory Corporation of America, LabCorp).

NM_007078.3(LDB3):c.1460G>A (p.Arg487His)

Gene: LDB3 (LIM domain binding 3; plus strand). Cytogenetic location: 10q23.2.
Variant type: single nucleotide variant.
Coding change: c.1460G>A on transcript NM_007078.3 (MANE Select); coding-DNA position 1460, G replaced by A.
Protein change: p.Arg487His; replaces arginine 487 with histidine.
Molecular consequence: missense variant. On other transcripts: genic downstream transcript variant (1).
Genome position (GRCh38, 1-based): chr10:86,716,555, G>A. VCF-style: chr10-86716555-G-A. GRCh37 (hg19) VCF-style: chr10-88476312-G-A.
Other names: p.R487H:CGT>CAT; c.*17181G>A (NM_001080116.1); c.1130G>A, p.Arg377His (NM_001080114.2); c.1475G>A, p.Arg492His (NM_001171610.2); c.1271G>A, p.Arg424His (NM_001368064.1, NM_001368065.1); c.1319G>A, p.Arg440His (NM_001368066.1); short protein forms R487H, R377H, R440H, R424H, R492H.
Identifiers: ClinVar variation 45520 (VCV000045520.27), dbSNP rs146265188, ClinGen allele CA136519.
Genomic context (GRCh38, chr10:86,716,555, plus strand): 5'-CCAACTATAACCCTGCACCCTCGGTGGCCTACAGCGGGGGCCCTGCGGAGCCTGCCAGCC[G>A]TCCACCCTGGGTGACAGATGATAGCTTCTCCCAGAAGTTTGCCCCGGGCAAGAGCACCAC-3'
Protein context (NP_009009.1, residues 477-497): YSGGPAEPAS[Arg487His]PPWVTDDSFS